The following is an entry in ClinVar:

NM_004006.3(DMD):c.1245T>G (p.Asp415Glu)

Gene: DMD (dystrophin; minus strand). Cytogenetic location: Xp21.1.
Variant type: single nucleotide variant.
Coding change: c.1245T>G on transcript NM_004006.3 (MANE Select); coding-DNA position 1245, T replaced by G.
Protein change: p.Asp415Glu; replaces aspartic acid 415 with glutamic acid.
Molecular consequence: missense variant.
Genome position (GRCh38, 1-based): chrX:32,644,218, A>C on the plus strand (T>G on the coding strand, the complement: DMD is on the minus strand). VCF-style: chrX-32644218-A-C. GRCh37 (hg19) VCF-style: chrX-32662335-A-C.
Other names: c.1221T>G, p.Asp407Glu (NM_000109.4); c.1233T>G, p.Asp411Glu (NM_004009.3); c.876T>G, p.Asp292Glu (NM_004010.3); short protein forms D292E, D407E, D411E, D415E.
Identifiers: ClinVar variation 1306126 (VCV001306126.2), dbSNP rs2146820271, ClinGen allele CA412661116.
Genomic context (GRCh38, chrX:32,644,218, plus strand): 5'-CCTGAGGCATTCCCATCTTGAATTTAGGAGATTCATCTGCTCTTGTACTTCAGTTTCTTC[A>C]TCTTCTGATAATTTTCCTGTTCCAATCAGCTTACTTCCCAATTGTAGAATATTACCAACC-3'
Protein context (NP_003997.2, residues 405-425): KLIGTGKLSE[Asp415Glu]EETEVQEQMN

ClinVar aggregate classification (germline): Uncertain significance (1 of 4 stars; one submission).

Submission:

GeneDx
Classification: Uncertain significance. Last evaluated: 2019-05-22. Review status: criteria provided, single submitter. Criteria: GeneDx Variant Classification Process June 2021. Collection method: clinical testing. Allele origin: germline. Affected: yes.
Comment: Has not been previously published as pathogenic or benign to our knowledge; Not observed in large population cohorts (Lek et al., 2016); In silico analysis, which includes protein predictors and evolutionary conservation, supports that this variant does not alter protein structure/function